The following is an entry in ClinVar:

ClinVar aggregate classification (germline): Uncertain significance (1 of 4 stars; one submission).

Conditions:
Hereditary cancer-predisposing syndrome. Also called: Hereditary neoplastic syndrome; Tumor predisposition; Hereditary Cancer Syndrome; Neoplastic Syndromes, Hereditary. Identifiers: Orphanet 140162, MedGen C0027672, MeSH D009386, MONDO:0015356.

Submission:

Ambry Genetics
Classification: Uncertain significance for Hereditary cancer-predisposing syndrome. Last evaluated: 2023-07-05. Review status: criteria provided, single submitter. Criteria: Ambry Variant Classification Scheme 2023. Collection method: clinical testing. Allele origin: germline.
Comment: The p.L312H variant (also known as c.935T>A), located in coding exon 9 of the EPCAM gene, results from a T to A substitution at nucleotide position 935. The leucine at codon 312 is replaced by histidine, an amino acid with similar properties. This amino acid position is conserved. In addition, this alteration is predicted to be tolerated by in silico analysis. Since supporting evidence is limited at this time, the clinical significance of this alteration remains unclear.

NM_002354.3(EPCAM):c.935T>A (p.Leu312His)

Gene: EPCAM (epithelial cell adhesion molecule; plus strand). Cytogenetic location: 2p21.
Variant type: single nucleotide variant.
Coding change: c.935T>A on transcript NM_002354.3 (MANE Select); coding-DNA position 935, T replaced by A.
Protein change: p.Leu312His; replaces leucine 312 with histidine.
Molecular consequence: missense variant.
Genome position (GRCh38, 1-based): chr2:47,386,603, T>A. VCF-style: chr2-47386603-T-A. GRCh37 (hg19) VCF-style: chr2-47613742-T-A.
Other names: short protein forms L312H.
Identifiers: ClinVar variation 2586730 (VCV002586730.2), dbSNP rs2103770892, ClinGen allele CA346725988.